The following is an entry in ClinVar:

ClinVar aggregate classification (germline): Uncertain significance. Review status: criteria provided, multiple submitters, no conflicts (2 of 4 stars). 2 submissions from 2 submitters: Uncertain significance (2). Last evaluated 2024-10-21.

Conditions:
Generalized epilepsy-paroxysmal dyskinesia syndrome (PNKD3). Also called: Paroxysmal nonkinesigenic dyskinesia, 3, with or without generalized epilepsy; Generalized epilepsy and paroxysmal dyskinesia. Identifiers: Orphanet 79137, MedGen C5574945, MONDO:0012276, OMIM 609446.

Submissions (2):

Labcorp Genetics (formerly Invitae), Labcorp
Classification: Uncertain significance for Generalized epilepsy-paroxysmal dyskinesia syndrome. Last evaluated: 2024-10-21. Review status: criteria provided, single submitter. Criteria: Invitae Variant Classification Sherloc (09022015). Collection method: clinical testing. Allele origin: germline.
Comment: This variant, c.138_161del, results in the deletion of 8 amino acid(s) of the KCNMA1 protein (p.Ser53_Ser60del), but otherwise preserves the integrity of the reading frame. This variant is not present in population databases (gnomAD no frequency). This variant has not been reported in the literature in individuals affected with KCNMA1-related conditions. ClinVar contains an entry for this variant (Variation ID: 193226). Experimental studies and prediction algorithms are not available or were not evaluated, and the functional significance of this variant is currently unknown. In summary, the available evidence is currently insufficient to determine the role of this variant in disease. Therefore, it has been classified as a Variant of Uncertain Significance.

Eurofins Ntd Llc (ga)
Classification: Uncertain significance. Last evaluated: 2015-03-20. Review status: criteria provided, single submitter. Criteria: EGL Classification Definitions 2015. Collection method: clinical testing. Allele origin: germline. Observed: 1 variant allele, 1 heterozygote.

NM_001161352.2(KCNMA1):c.138_161del (p.Ser53_Ser60del)

Gene: KCNMA1 (potassium calcium-activated channel subfamily M alpha 1; minus strand). Cytogenetic location: 10q22.3.
Variant type: Deletion.
Coding change: c.138_161del on transcript NM_001161352.2 (MANE Select); coding-DNA positions 138 to 161, 24 bases deleted (TTCCTCTTCTTCTTCTTCCTCCTC).
Protein change: p.Ser53_Ser60del.
Molecular consequence: inframe deletion.
Genome position (GRCh38, 1-based): chr10:77,637,482-77,637,505, GAGGAGGAAGAAGAAGAAGAGGAA deleted on the plus strand (TTCCTCTTCTTCTTCTTCCTCCTC on the coding strand, the reverse complement: KCNMA1 is on the minus strand); deleting any 24 consecutive bases within chr10:77,637,482-77,637,513 gives the same sequence; the c. name uses the placement nearest the transcript's 3' end. VCF-style (leftmost placement, unchanged base first): chr10-77637481-GGAGGAGGAAGAAGAAGAAGAGGAA-G. GRCh37 (hg19) VCF-style: chr10-79397239-GGAGGAGGAAGAAGAAGAAGAGGAA-G.
Other names: c.138_161del, p.Ser53_Ser60del (NM_001014797.3, NM_001161353.2, NM_001271518.2 and 12 more transcripts).
Identifiers: ClinVar variation 193226 (VCV000193226.8), dbSNP rs794726903, ClinGen allele CA238741.